The following is an entry in ClinVar:

ClinVar aggregate classification (germline): Pathogenic (1 of 4 stars; one submission).

Conditions:
Fetal akinesia deformation sequence 1 (FADS1). Also called: Fetal akinesia sequence; Pena-Shokeir syndrome type I. Identifiers: Orphanet 994, MedGen C1276035, MONDO:0100101, OMIM 208150, HP:0001989.
Congenital myasthenic syndrome 10. Also called: Myasthenia, limb-girdle, familial. Identifiers: Orphanet 590, MedGen C1850792, MONDO:0009690, OMIM 254300.

Submission:

Labcorp Genetics (formerly Invitae), Labcorp
Classification: Pathogenic for Congenital myasthenic syndrome 10; Fetal akinesia deformation sequence 1. Last evaluated: 2023-11-24. Review status: criteria provided, single submitter. Criteria: Invitae Variant Classification Sherloc (09022015). Collection method: clinical testing. Allele origin: germline.
Comment: This sequence change creates a premature translational stop signal (p.Ser347Leufs*21) in the DOK7 gene. While this is not anticipated to result in nonsense mediated decay, it is expected to disrupt the last 158 amino acid(s) of the DOK7 protein. This variant is not present in population databases (gnomAD no frequency). This variant has not been reported in the literature in individuals affected with DOK7-related conditions. This variant disrupts a region of the DOK7 protein in which other variant(s) (p.Asp433Argfs*18) have been determined to be pathogenic (PMID: 17439981, 22661499; Invitae). This suggests that this is a clinically significant region of the protein, and that variants that disrupt it are likely to be disease-causing. For these reasons, this variant has been classified as Pathogenic.

Literature cited by the submitters: PubMed 17439981; PubMed 22661499.

NM_173660.5(DOK7):c.1040_1041del (p.Ser347fs)

Gene: DOK7 (docking protein 7; plus strand). Cytogenetic location: 4p16.3.
Variant type: Microsatellite.
Coding change: c.1040_1041del on transcript NM_173660.5 (MANE Select); coding-DNA positions 1040 to 1041, 2 bases deleted (CT; older notation c.1040_1041delCT).
Protein change: p.Ser347fs; shifts the reading frame from serine 347.
Molecular consequence: frameshift variant. On other transcripts: 3 prime UTR variant (1).
Genome position (GRCh38, 1-based): chr4:3,493,026-3,493,027, CT deleted; deleting any 2 consecutive bases within chr4:3,493,024-3,493,027 gives the same sequence; the c. name uses the placement nearest the transcript's 3' end. VCF-style (leftmost placement, unchanged base first): chr4-3493023-CCT-C. GRCh37 (hg19) VCF-style: chr4-3494750-CCT-C.
Other names: c.*259CT[1] (NM_001164673.2); c.110_111del, p.Ser37fs (NM_001256896.2); c.1040_1041del, p.Ser347fs (NM_001301071.2); c.608_609del, p.Ser203fs (NM_001363811.2); short protein forms S203fs, S37fs, S347fs.
Identifiers: ClinVar variation 2936050 (VCV002936050.3), dbSNP rs2475112419, ClinGen allele CA2669738439.
Genomic context (GRCh38, chr4:3,493,023, plus strand): 5'-AGCTGCAGGAGGTTGGCCGCCAGAGCTCCTCGGACAGCGGCATCGCCACTGGCAGCCACT[CCT>C]CTTACTCCAGCAGCCTCTCGTCCTACGCGGGCAGCAGCCTGGACGTGTGGCGGGCCACAG-3'